The following is an entry in ClinVar:

NM_001367873.1(SOX6):c.790A>G (p.Met264Val)

Genes: SOX6 (SRY-box transcription factor 6; minus strand), LOC128772343 (melanoma risk locus-associated MPRA allelic enhancer 11:16133413; plus strand). Cytogenetic location: 11p15.2.
Variant type: single nucleotide variant.
Coding change: c.790A>G on transcript NM_001367873.1 (MANE Select); coding-DNA position 790, A replaced by G.
Protein change: p.Met264Val; replaces methionine 264 with valine.
Molecular consequence: missense variant.
Genome position (GRCh38, 1-based): chr11:16,111,911, T>C on the plus strand (A>G on the coding strand, the complement: SOX6 is on the minus strand). VCF-style: chr11-16111911-T-C. GRCh37 (hg19) VCF-style: chr11-16133457-T-C.
Other names: c.790A>G, p.Met264Val (NM_001145811.2, NM_001145819.2, NM_001367872.1 and 2 more transcripts); short protein forms M264V.
Identifiers: ClinVar variation 2390626 (VCV002390626.3), dbSNP rs376516316, ClinGen allele CA5898336.
Genomic context (GRCh38, chr11:16,111,911, plus strand): 5'-CAGCAGCTGCTGCCAGAGTCCGCTGGTCATGTGGAAAAATTGGGATCATGAGCGGAGGCA[T>C]GTGACCCTGAACCTGCTAAACAGAAGAGAGCCTATGATCAGACAGGGAGCAAATGTATGC-3'
Protein context (NP_001354802.1, residues 254-274): LQQQIQVQGH[Met264Val]PPLMIPIFPH

ClinVar aggregate classification (germline): Uncertain significance (1 of 4 stars; one submission).

Conditions:
Inborn genetic diseases. Identifiers: MedGen C0950123, MeSH D030342.

Allele frequency attached by ClinVar (database versions not stated): gnomAD 0.00005; ESP Exome Variant Server 0.00015; TOPMed 0.00003; gnomAD exomes 0.00003; ExAC 0.00002.
gnomAD v4.1: 59 of 1,612,130 alleles (0.0037%); highest among the groups gnomAD compares: Non-Finnish European, 0.0045%; no homozygotes.

Submission:

Ambry Genetics
Classification: Uncertain significance for Inborn genetic diseases. Last evaluated: 2026-06-08. Review status: criteria provided, single submitter. Criteria: Ambry Variant Classification Scheme 2023. Collection method: clinical testing. Allele origin: germline.
Comment: The c.790A>G (p.M264V) alteration is located in exon 7 (coding exon 6) of the SOX6 gene. This alteration results from a A to G substitution at nucleotide position 790, causing the methionine (M) at amino acid position 264 to be replaced by a valine (V). Based on data from gnomAD, the G allele has an overall frequency of 0.002% (5/282520) total alleles studied. The highest observed frequency was 0.004% (5/128950) of European (non-Finnish) alleles. Based on insufficient or conflicting evidence, the clinical significance of this alteration remains unclear.